The following is an entry in ClinVar:

NM_015102.5(NPHP4):c.2734C>T (p.Arg912Cys)

Gene: NPHP4 (nephrocystin 4; minus strand). Cytogenetic location: 1p36.31.
Variant type: single nucleotide variant.
Coding change: c.2734C>T on transcript NM_015102.5 (MANE Select); coding-DNA position 2734, C replaced by T.
Protein change: p.Arg912Cys; replaces arginine 912 with cysteine.
Molecular consequence: missense variant. On other transcripts: non-coding transcript variant (1).
Genome position (GRCh38, 1-based): chr1:5,877,176, G>A on the plus strand (C>T on the coding strand, the complement: NPHP4 is on the minus strand). VCF-style: chr1-5877176-G-A. GRCh37 (hg19) VCF-style: chr1-5937236-G-A.
Other names: c.2734C>T (NM_015102.3, NM_015102.4); c.1195C>T, p.Arg399Cys (NM_001291593.2); c.1198C>T, p.Arg400Cys (NM_001291594.2); short protein forms R399C, R400C, R912C.
Identifiers: ClinVar variation 1404085 (VCV001404085.8), dbSNP rs368106760, ClinGen allele CA553953.

ClinVar aggregate classification (germline): Uncertain significance. Review status: criteria provided, multiple submitters, no conflicts (2 of 4 stars). 5 submissions from 5 submitters: Uncertain significance (5). Last evaluated 2025-09-22.

Conditions:
NPHP4-related disorder. Also called: NPHP4-related condition; NPHP4-related disorders. Identifiers: MedGen CN239384.
Inborn genetic diseases. Identifiers: MedGen C0950123, MeSH D030342.
Nephronophthisis 4 (NPHP4). Also called: NEPHRONOPHTHISIS 4, JUVENILE. Identifiers: Orphanet 655, MedGen C1847013, MONDO:0011752, OMIM 606966.
Nephronophthisis. Also called: Juvenile Nephronophthisis. Identifiers: Orphanet 655, MedGen C0687120, MONDO:0019005, HP:0000090.

Allele frequency attached by ClinVar (database versions not stated): TOPMed 0.00005; gnomAD exomes 0.00006; gnomAD 0.00007; ExAC 0.00008; ESP Exome Variant Server 0.00008; 1000 Genomes Project 30x 0.00016; 1000 Genomes Project 0.00020.
gnomAD v4.1: 126 of 1,605,710 alleles (0.0078%); highest among the groups gnomAD compares: South Asian, 0.01%; no homozygotes.

Submissions (5):

Ambry Genetics
Classification: Uncertain significance for Inborn genetic diseases. Last evaluated: 2025-09-22. Review status: criteria provided, single submitter. Criteria: Ambry Variant Classification Scheme 2023. Collection method: clinical testing. Allele origin: germline.

Neuberg Centre For Genomic Medicine, NCGM
Classification: Uncertain significance for Nephronophthisis 4. Last evaluated: 2023-05-20. Review status: criteria provided, single submitter. Criteria: ACMG Guidelines, 2015. Collection method: clinical testing. Allele origin: germline. Inheritance: Autosomal recessive inheritance. Affected: yes.
Comment: The missense c.2734C>T (p.Arg912Cys) variant in NPHP4 gene has not been reported previously as a pathogenic variant nor as a benign variant, to our knowledge. This variant is reported with the allele frequency (0.006%) in the gnomAD Exomes. This variant has been reported to the ClinVar database as Uncertain Significance. However, no details are available for independent assessment. The amino acid Arginine at position 912 is changed to a Cystine changing protein sequence and it might alter its composition and physico-chemical properties. Computational evidence (Polyphen - Damaging, SIFT - Damaging and MutationTaster -Polymorphism) predicts conflicting evidence on protein structure and function for this variant. The amino acid change p.Arg912Cys in NPHP4 is predicted as conserved by GERP++ and PhyloP across 100 vertebrates. For these reasons, this variant has been classified as Uncertain Significance.

PreventionGenetics, part of Exact Sciences
Classification: Uncertain significance for NPHP4-related condition. Last evaluated: 2023-05-01. Review status: criteria provided, single submitter. Criteria: ACMG Guidelines, 2015. Collection method: clinical testing. Allele origin: germline.
Comment: The NPHP4 c.2734C>T variant is predicted to result in the amino acid substitution p.Arg912Cys. To our knowledge, this variant has not been reported in the literature. This variant is reported in 0.014% of alleles in individuals of South Asian descent in gnomAD. At this time, the clinical significance of this variant is uncertain due to the absence of conclusive functional and genetic evidence.

Blueprint Genetics
Classification: Uncertain significance. Last evaluated: 2023-03-21. Review status: criteria provided, single submitter. Criteria: ACMG Guidelines, 2015. Collection method: clinical testing. Allele origin: germline.

Labcorp Genetics (formerly Invitae), Labcorp
Classification: Uncertain significance for Nephronophthisis. Last evaluated: 2022-04-30. Review status: criteria provided, single submitter. Criteria: Invitae Variant Classification Sherloc (09022015). Collection method: clinical testing. Allele origin: germline.
Comment: This sequence change replaces arginine, which is basic and polar, with cysteine, which is neutral and slightly polar, at codon 912 of the NPHP4 protein (p.Arg912Cys). This variant is present in population databases (rs368106760, gnomAD 0.01%). This variant has not been reported in the literature in individuals affected with NPHP4-related conditions. Algorithms developed to predict the effect of missense changes on protein structure and function are either unavailable or do not agree on the potential impact of this missense change (SIFT: "Deleterious"; PolyPhen-2: "Benign"; Align-GVGD: "Class C0"). In summary, the available evidence is currently insufficient to determine the role of this variant in disease. Therefore, it has been classified as a Variant of Uncertain Significance.